The following is an entry in ClinVar:

ClinVar aggregate classification (germline): Likely benign (1 of 4 stars; one submission).

Allele frequency attached by ClinVar (database versions not stated): gnomAD exomes below 0.00001; ExAC 0.00001.
gnomAD v4.1: 2 of 1,612,584 alleles (0.00012%); highest among the groups gnomAD compares: Non-Finnish European, 0.00017%; no homozygotes.

Submission:

GeneDx
Classification: Likely benign. Last evaluated: 2017-09-22. Review status: criteria provided, single submitter. Criteria: GeneDx Variant Classification (06012015). Collection method: clinical testing. Allele origin: germline. Affected: yes.
Comment: This variant is considered likely benign or benign based on one or more of the following criteria: it is a conservative change, it occurs at a poorly conserved position in the protein, it is predicted to be benign by multiple in silico algorithms, and/or has population frequency not consistent with disease.

NM_001040716.2(PC):c.2118C>T (p.Tyr706=)

Gene: PC (pyruvate carboxylase; minus strand). Cytogenetic location: 11q13.2.
Variant type: single nucleotide variant.
Coding change: c.2118C>T on transcript NM_001040716.2 (MANE Select); coding-DNA position 2118, C replaced by T.
Protein change: p.Tyr706=; no amino-acid change (tyrosine 706 retained).
Molecular consequence: synonymous variant.
Genome position (GRCh38, 1-based): chr11:66,851,145, G>A on the plus strand (C>T on the coding strand, the complement: PC is on the minus strand). VCF-style: chr11-66851145-G-A. GRCh37 (hg19) VCF-style: chr11-66618616-G-A.
Other names: c.2118C>T, p.Tyr706= (NM_000920.4, NM_022172.3).
Identifiers: ClinVar variation 512040 (VCV000512040.1), dbSNP rs771659705, ClinGen allele CA6131172.